The following is an entry in ClinVar:

NM_001374385.1(ATP8B1):c.1361A>G (p.Asp454Gly)

Gene: ATP8B1 (ATPase phospholipid transporting 8B1; minus strand). Cytogenetic location: 18q21.31.
Variant type: single nucleotide variant.
Coding change: c.1361A>G on transcript NM_001374385.1 (MANE Select); coding-DNA position 1361, A replaced by G.
Protein change: p.Asp454Gly; replaces aspartic acid 454 with glycine.
Molecular consequence: missense variant.
Genome position (GRCh38, 1-based): chr18:57,688,367, T>C on the plus strand (A>G on the coding strand, the complement: ATP8B1 is on the minus strand). VCF-style: chr18-57688367-T-C. GRCh37 (hg19) VCF-style: chr18-55355599-T-C.
Other names: c.1211A>G, p.Asp404Gly (NM_001374386.1); c.1361A>G, p.Asp454Gly (NM_005603.6); short protein forms D404G, D454G.
Identifiers: ClinVar variation 4846705 (VCV004846705.1).

ClinVar aggregate classification (germline): Uncertain significance (1 of 4 stars; one submission).

Conditions:
Familial intrahepatic cholestasis. Identifiers: Orphanet 284385, MedGen CN296401, MONDO:0017290.

Submission:

Genomenon, Inc
Classification: Uncertain significance for Familial intrahepatic cholestasis. Last evaluated: 2026-04-14. Review status: criteria provided, single submitter. Criteria: Genomenon Sequence Variant Interpretation Standards - Updated. Collection method: curation. Allele origin: germline. Affected: yes.
Comment: ATP8B1 p.Asp454Gly (c.1361A>G) is a missense variant that changes the amino acid at residue 454 from Aspartic acid to Glycine. This variant has been observed in at least one proband with features of ATP8B1-deficiency (PMID:15239083). At least one functional study has demonstrated a substantial alteration in protein function relative to the wild-type (PMID:19918981). It is absent or not present at a significant frequency in gnomAD. In silico models predict that this variant is possibly or probably damaging. In conclusion, we classify ATP8B1 p.Asp454Gly (c.1361A>G) as a variant of uncertain significance.

Literature cited by the submitters: PubMed 15239083; PubMed 19918981.